The following is an entry in ClinVar:

NM_000135.4(FANCA):c.1070C>A (p.Ser357Ter)

Gene: FANCA (FA complementation group A; minus strand). Cytogenetic location: 16q24.3.
Variant type: single nucleotide variant.
Coding change: c.1070C>A on transcript NM_000135.4 (MANE Select); coding-DNA position 1070, C replaced by A.
Protein change: p.Ser357Ter; replaces serine 357 with a stop codon.
Molecular consequence: nonsense.
Genome position (GRCh38, 1-based): chr16:89,792,484, G>T on the plus strand (C>A on the coding strand, the complement: FANCA is on the minus strand). VCF-style: chr16-89792484-G-T. GRCh37 (hg19) VCF-style: chr16-89858892-G-T.
Other names: c.1070C>A, p.Ser357Ter (NM_001286167.3); short protein forms S357*.
Identifiers: ClinVar variation 984162 (VCV000984162.3), dbSNP rs773687142, ClinGen allele CA397466623.
Genomic context (GRCh38, chr16:89,792,484, plus strand): 5'-CCCCCCGCCACGAGCTCAGAAGCAGGTATAATACCACATCCACTCACCCTGCGGTACAGT[G>T]AGGTGAGCAGAGGGTGTGTCCGCGCAAAGCTCCACTCTCTCTGCATCTGAACAGCATCAG-3'

ClinVar aggregate classification (germline): Likely pathogenic (1 of 4 stars; one submission).

Conditions:
Fanconi anemia complementation group A (FANCA). Also called: Fanconi anemia, group A; FANCA-Related Fanconi Anemia. Identifiers: Orphanet 84, MedGen C3469521, MONDO:0009215, OMIM 227650.

Submission:

Myriad Genetics, Inc.
Classification: Likely pathogenic for Fanconi anemia complementation group A. Last evaluated: 2019-12-18. Review status: criteria provided, single submitter. Criteria: Myriad Women's Health Autosomal Recessive and X-Linked Classification Criteria (2019). Collection method: clinical testing. Allele origin: unknown.
Comment: NM_000135.2(FANCA):c.1070C>A(S357*) is expected to be pathogenic in the context of Fanconi anemia complementation group A. This variant is predicted to lead to an abnormal or absent protein product due to the creation of a premature termination codon in FANCA, a gene where loss-of-function variants are known to be pathogenic. Please note: this variant was assessed in the context of healthy population screening.